The following is an entry in ClinVar:

ClinVar aggregate classification (germline): Likely benign. Review status: criteria provided, multiple submitters, no conflicts (2 of 4 stars). 2 submissions from 2 submitters: Likely benign (2). Last evaluated 2023-10-03.

Conditions:
Early-infantile DEE. Also called: Early infantile epileptic encephalopathy; Ohtahara syndrome; Early infantile epileptic encephalopathy with suppression bursts. Identifiers: Orphanet 1934, MedGen C0393706, MONDO:0800491.

Allele frequency attached by ClinVar (database versions not stated): ExAC 0.00001; TOPMed 0.00001; ESP Exome Variant Server 0.00008.
gnomAD v4.1: 5 of 1,613,840 alleles (0.00031%); highest among the groups gnomAD compares: African/African-American, 0.0013%; no homozygotes.

Submissions (2):

Labcorp Genetics (formerly Invitae), Labcorp
Classification: Likely benign for Early-infantile DEE. Last evaluated: 2023-10-03. Review status: criteria provided, single submitter. Criteria: Invitae Variant Classification Sherloc (09022015). Collection method: clinical testing. Allele origin: germline.

GeneDx
Classification: Likely benign. Last evaluated: 2018-01-04. Review status: criteria provided, single submitter. Criteria: GeneDx Variant Classification (06012015). Collection method: clinical testing. Allele origin: germline. Affected: yes.
Comment: This variant is considered likely benign or benign based on one or more of the following criteria: it is a conservative change, it occurs at a poorly conserved position in the protein, it is predicted to be benign by multiple in silico algorithms, and/or has population frequency not consistent with disease.

NM_172107.4(KCNQ2):c.1118+11C>T

Gene: KCNQ2 (potassium voltage-gated channel subfamily Q member 2; minus strand). Cytogenetic location: 20q13.33.
Variant type: single nucleotide variant.
Coding change: c.1118+11C>T on transcript NM_172107.4 (MANE Select); 11 bases into the intron after coding-DNA position 1118, C replaced by T.
Molecular consequence: intron variant. On other transcripts: missense variant (1).
Genome position (GRCh38, 1-based): chr20:63,433,798, G>A on the plus strand (C>T on the coding strand, the complement: KCNQ2 is on the minus strand). VCF-style: chr20-63433798-G-A. GRCh37 (hg19) VCF-style: chr20-62065151-G-A.
Other names: c.1129C>T, p.Arg377Trp (NM_172109.3); c.1118+11C>T (NM_004518.6, NM_172108.5, NM_172106.3); short protein forms R377W.
Identifiers: ClinVar variation 514453 (VCV000514453.9), dbSNP rs138176417, ClinGen allele CA9958638.
Genomic context (GRCh38, chr20:63,433,798, plus strand): 5'-GTGGGGTTTAAGAACAAATGGAAAATAAAAAATGAAACAGTTGCTTGGTGGCAGGTGCCC[G>A]GCGGCGGTACCTGTACATGGGCACGGTGACCGTTCGCTCGTAGTACTGCCACGTGGAGTG-3'